The following is an entry in ClinVar:

NM_001111.5(ADAR):c.677G>A (p.Ser226Asn)

Gene: ADAR (adenosine deaminase RNA specific; minus strand). Cytogenetic location: 1q21.3.
Variant type: single nucleotide variant.
Coding change: c.677G>A on transcript NM_001111.5 (MANE Select); coding-DNA position 677, G replaced by A.
Protein change: p.Ser226Asn; replaces serine 226 with asparagine.
Molecular consequence: missense variant. On other transcripts: 5 prime UTR variant (6).
Genome position (GRCh38, 1-based): chr1:154,601,965, C>T on the plus strand (G>A on the coding strand, the complement: ADAR is on the minus strand). VCF-style: chr1-154601965-C-T. GRCh37 (hg19) VCF-style: chr1-154574441-C-T.
Other names: c.-209G>A (NM_001025107.3, NM_001193495.2, NM_001365046.1 and 3 more transcripts); c.704G>A, p.Ser235Asn (NM_001365045.1); c.677G>A, p.Ser226Asn (NM_015840.4, NM_015841.4); short protein forms S226N, S235N.
Identifiers: ClinVar variation 2196202 (VCV002196202.4), dbSNP rs2526661141, ClinGen allele CA342600488.

ClinVar aggregate classification (germline): Uncertain significance (1 of 4 stars; one submission).

Conditions:
Symmetrical dyschromatosis of extremities (DSH). Also called: RETICULATE ACROPIGMENTATION OF DOHI; SYMMETRIC DYSCHROMATOSIS OF THE EXTREMITIES; Dyschromatosis symmetrica hereditaria; DYSCHROMATOSIS SYMMETRICA HEREDITARIA 1. Identifiers: Orphanet 41, MedGen C0406775, MONDO:0007483, OMIM 127400.
Aicardi-Goutieres syndrome 6 (AGS6). Identifiers: Orphanet 51, MedGen C3539013, MONDO:0014007, OMIM 615010.

Submission:

Labcorp Genetics (formerly Invitae), Labcorp
Classification: Uncertain significance for Aicardi-Goutieres syndrome 6; Symmetrical dyschromatosis of extremities. Last evaluated: 2022-06-10. Review status: criteria provided, single submitter. Criteria: Invitae Variant Classification Sherloc (09022015). Collection method: clinical testing. Allele origin: germline.
Comment: This sequence change replaces serine, which is neutral and polar, with asparagine, which is neutral and polar, at codon 226 of the ADAR protein (p.Ser226Asn). This variant is not present in population databases (gnomAD no frequency). This variant has not been reported in the literature in individuals affected with ADAR-related conditions. Algorithms developed to predict the effect of missense changes on protein structure and function output the following: SIFT: "Tolerated"; PolyPhen-2: "Not Available"; Align-GVGD: "Class C0". The asparagine amino acid residue is found in multiple mammalian species, which suggests that this missense change does not adversely affect protein function. In summary, the available evidence is currently insufficient to determine the role of this variant in disease. Therefore, it has been classified as a Variant of Uncertain Significance.